The following is an entry in ClinVar:

ClinVar aggregate classification (germline): Conflicting classifications of pathogenicity. Review status: criteria provided, conflicting classifications (1 of 4 stars). 4 submissions from 4 submitters: Uncertain significance (1); Likely benign (2). 1 of the submissions does not count toward it. Last evaluated 2025-11-25.

Conditions:
Hereditary sensory and autonomic neuropathy type 6. Also called: HSAN VI; Neuropathy, hereditary sensory and autonomic, type VI. Identifiers: Orphanet 314381, MedGen C3539003, MONDO:0013839, OMIM 614653.
Epidermolysis bullosa simplex 3, localized or generalized intermediate, with BP230 deficiency (EBS3). Also called: Epidermolysis bullosa simplex due to BP230 deficiency; Epidermolysis bullosa simplex, autosomal recessive 2. Identifiers: Orphanet 412181, MedGen C3809470, MONDO:0014180, OMIM 615425.
DST-related disorder. Also called: DST-related condition; DST-related disorders.

Allele frequency attached by ClinVar (database versions not stated): ExAC 0.00059; ESP Exome Variant Server 0.00192; 1000 Genomes Project 30x 0.00219; gnomAD exomes 0.00016 and 0.00053; 1000 Genomes Project 0.00200; TOPMed 0.00188; gnomAD 0.00156 and 0.00167.
gnomAD v4.1: 481 of 1,613,934 alleles (0.03%); highest among the groups gnomAD compares: African/African-American, 0.53%; 1 homozygote.

Submissions (4):

Labcorp Genetics (formerly Invitae), Labcorp
Classification: Likely benign for Epidermolysis bullosa simplex 3, localized or generalized intermediate, with BP230 deficiency; Hereditary sensory and autonomic neuropathy type 6. Last evaluated: 2025-11-25. Review status: criteria provided, single submitter. Criteria: Invitae Variant Classification Sherloc (09022015). Collection method: clinical testing. Allele origin: germline.

GeneDx
Classification: Uncertain significance. Last evaluated: 2024-10-02. Review status: criteria provided, single submitter. Criteria: GeneDx Variant Classification Process June 2021. Collection method: clinical testing. Allele origin: germline.
Comment: In silico analysis indicates that this missense variant does not alter protein structure/function; Has not been previously published as pathogenic or benign to our knowledge

Women's Health and Genetics/Laboratory Corporation of America, LabCorp
Classification: Likely benign. Last evaluated: 2024-04-24. Review status: criteria provided, single submitter. Criteria: LabCorp Variant Classification Summary - May 2015. Collection method: clinical testing. Allele origin: germline.
Comment: Variant summary: DST c.4060C>A (p.Gln1354Lys) results in a conservative amino acid change in the encoded protein sequence. Five of five in-silico tools predict a benign effect of the variant on protein function. The variant allele was found at a frequency of 0.00053 in 251168 control chromosomes, predominantly at a frequency of 0.006 within the African or African-American subpopulation in the gnomAD database. To our knowledge, no occurrence of c.4060C>A in individuals affected with DST-Related Disorders and no experimental evidence demonstrating its impact on protein function have been reported. ClinVar contains an entry for this variant (Variation ID: 703770). Based on the evidence outlined above, the variant was classified as likely benign.

PreventionGenetics, part of Exact Sciences
Classification: Likely benign for DST-related condition. Last evaluated: 2020-05-11. Review status: no assertion criteria provided. Collection method: clinical testing. Allele origin: germline. Not counted in ClinVar's aggregate classification.
Comment: This variant is classified as likely benign based on ACMG/AMP sequence variant interpretation guidelines (Richards et al. 2015 PMID: 25741868, with internal and published modifications).

NM_001723.7(DST):c.4060C>A (p.Gln1354Lys)

Gene: DST (dystonin; minus strand). Cytogenetic location: 6p12.1.
Variant type: single nucleotide variant.
Coding change: c.4060C>A on transcript NM_001723.7 (MANE Plus Clinical); coding-DNA position 4060, C replaced by A.
Protein change: p.Gln1354Lys; replaces glutamine 1354 with lysine.
Molecular consequence: missense variant. On other transcripts: intron variant (10).
Genome position (GRCh38, 1-based): chr6:56,619,974, G>T on the plus strand (C>A on the coding strand, the complement: DST is on the minus strand). VCF-style: chr6-56619974-G-T. GRCh37 (hg19) VCF-style: chr6-56484772-G-T.
Other names: c.4830+4556C>A (NM_001144769.5); c.4929+4556C>A (NM_001374722.1, NM_001374736.1); c.4956+4556C>A (NM_001374734.1); c.4416+4556C>A (NM_001144770.2); c.4296+4556C>A (NM_001374730.1, NM_001386100.1, NM_183380.4 and 1 more transcripts); c.3318+4556C>A (NM_015548.5); short protein forms Q1354K.
Identifiers: ClinVar variation 703770 (VCV000703770.20), dbSNP rs35599167, ClinGen allele CA3870606.
Genomic context (GRCh38, chr6:56,619,974, plus strand): 5'-CAGCTGTTAGTTCATCTACCTGCTGTTTGAGTTCTTCTGCTTTCTGCTTGTCATGTTCTT[G>T]CTGGAGACCCGTTACTGCCCTGCATGATGTAGCCTGTGTGATCGGACACACTGGCAATGC-3'
Protein context (NP_001714.1, residues 1344-1364): TSCRAVTGLQ[Gln1354Lys]EHDKQKAEEL